The following is an entry in ClinVar:

ClinVar aggregate classification (germline): Uncertain significance (1 of 4 stars; one submission).

gnomAD v4.1: 14 of 1,613,016 alleles (0.00087%); highest among the groups gnomAD compares: Middle Eastern, 0.15%; no homozygotes.

Submission:

Labcorp Genetics (formerly Invitae), Labcorp
Classification: Uncertain significance. Last evaluated: 2025-10-31. Review status: criteria provided, single submitter. Criteria: Invitae Variant Classification Sherloc (09022015). Collection method: clinical testing. Allele origin: germline.
Comment: This sequence change replaces serine, which is neutral and polar, with cysteine, which is neutral and slightly polar, at codon 186 of the CNOT1 protein (p.Ser186Cys). This variant is present in population databases (rs761529548, gnomAD 0.0009%). This variant has not been reported in the literature in individuals affected with CNOT1-related conditions. An algorithm developed to predict the effect of missense changes on protein structure and function (PolyPhen-2) suggests that this variant is likely to be disruptive. In summary, the available evidence is currently insufficient to determine the role of this variant in disease. Therefore, it has been classified as a Variant of Uncertain Significance.

NM_016284.5(CNOT1):c.557C>G (p.Ser186Cys)

Gene: CNOT1 (CCR4-NOT transcription complex subunit 1; minus strand). Cytogenetic location: 16q21.
Variant type: single nucleotide variant.
Coding change: c.557C>G on transcript NM_016284.5 (MANE Select); coding-DNA position 557, C replaced by G.
Protein change: p.Ser186Cys; replaces serine 186 with cysteine.
Molecular consequence: missense variant. On other transcripts: non-coding transcript variant (1).
Genome position (GRCh38, 1-based): chr16:58,586,625, G>C on the plus strand (C>G on the coding strand, the complement: CNOT1 is on the minus strand). VCF-style: chr16-58586625-G-C. GRCh37 (hg19) VCF-style: chr16-58620529-G-C.
Other names: c.557C>G, p.Ser186Cys (NM_001265612.2, NM_206999.3); short protein forms S186C.
Identifiers: ClinVar variation 4754731 (VCV004754731.1).